The following is an entry in ClinVar:

NM_025179.4(PLXNA2):c.3161+8G>A

Gene: PLXNA2 (plexin A2; minus strand). Cytogenetic location: 1q32.2.
Variant type: single nucleotide variant.
Coding change: c.3161+8G>A on transcript NM_025179.4 (MANE Select); 8 bases into the intron after coding-DNA position 3161, G replaced by A.
Molecular consequence: intron variant.
Genome position (GRCh38, 1-based): chr1:208,051,248, C>T on the plus strand (G>A on the coding strand, the complement: PLXNA2 is on the minus strand). VCF-style: chr1-208051248-C-T. GRCh37 (hg19) VCF-style: chr1-208224593-C-T.
Other names: c.3161+8G>A (NM_025179.3).
Identifiers: ClinVar variation 1600069 (VCV001600069.10), dbSNP rs761529615, ClinGen allele CA1373272.
Genomic context (GRCh38, chr1:208,051,248, plus strand): 5'-GCCAGACTTGGGCTGCAGGGATCATGCTGGGTGGCTTCCAGGTGCATCCCTCCCACCTTC[C>T]ACCTCACCTGGCAATGCTCCACTCTGGCTCGATGCGCTGGACCCGAGGGTCATCTATGTA-3'

ClinVar aggregate classification (germline): Benign. Review status: criteria provided, single submitter (1 of 4 stars). 2 submissions from 2 submitters: Benign (1). 1 of the submissions does not count toward it. Last evaluated 2025-12-13.

Conditions:
PLXNA2-related disorder. Also called: PLXNA2-related condition.

Allele frequency attached by ClinVar (database versions not stated): gnomAD 0.00002 and 0.00003; gnomAD exomes 0.00013 and 0.00026; TOPMed 0.00014; ExAC 0.00024.
gnomAD v4.1: 79 of 1,602,650 alleles (0.0049%); highest among the groups gnomAD compares: Admixed American, 0.13%; no homozygotes.

Submissions (2):

Labcorp Genetics (formerly Invitae), Labcorp
Classification: Benign. Last evaluated: 2025-12-13. Review status: criteria provided, single submitter. Criteria: Invitae Variant Classification Sherloc (09022015). Collection method: clinical testing. Allele origin: germline.

PreventionGenetics, part of Exact Sciences
Classification: Likely benign for PLXNA2-related condition. Last evaluated: 2021-06-28. Review status: no assertion criteria provided. Collection method: clinical testing. Allele origin: germline. Not counted in ClinVar's aggregate classification.
Comment: This variant is classified as likely benign based on ACMG/AMP sequence variant interpretation guidelines (Richards et al. 2015 PMID: 25741868, with internal and published modifications).